The following is an entry in ClinVar:

ClinVar aggregate classification (germline): Uncertain significance (1 of 4 stars; one submission).

Allele frequency attached by ClinVar (database versions not stated): gnomAD exomes below 0.00001.
gnomAD v4.1: 1 of 1,613,034 alleles (0.000062%); highest among the groups gnomAD compares: South Asian, 0.0011%; no homozygotes.

Submission:

GeneDx
Classification: Uncertain significance. Last evaluated: 2019-07-31. Review status: criteria provided, single submitter. Criteria: GeneDx Variant Classification Process June 2021. Collection method: clinical testing. Allele origin: germline. Affected: yes.
Comment: Not observed at a significant frequency in large population cohorts (Lek et al., 2016); Missense variant in a gene in which most reported pathogenic variants are truncating/loss-of-function; Has not been previously published as pathogenic or benign to our knowledge

NM_001267550.2(TTN):c.102169G>A (p.Glu34057Lys)

Genes: TTN (titin; minus strand), TTN-AS1 (TTN antisense RNA 1; plus strand). Cytogenetic location: 2q31.2.
Variant type: single nucleotide variant.
Coding change: c.102169G>A on transcript NM_001267550.2 (MANE Select); coding-DNA position 102169, G replaced by A.
Protein change: p.Glu34057Lys; replaces glutamic acid 34057 with lysine.
Molecular consequence: missense variant.
Genome position (GRCh38, 1-based): chr2:178,534,446, C>T on the plus strand (G>A on the coding strand, the complement: TTN is on the minus strand). VCF-style: chr2-178534446-C-T. GRCh37 (hg19) VCF-style: chr2-179399173-C-T.
Other names: c.97246G>A, p.Glu32416Lys (NM_001256850.1); c.74974G>A, p.Glu24992Lys (NM_003319.4); c.94465G>A, p.Glu31489Lys (NM_133378.4); c.75349G>A, p.Glu25117Lys (NM_133432.3); c.75550G>A, p.Glu25184Lys (NM_133437.4); short protein forms E24992K, E25117K, E25184K, E31489K, E32416K, E34057K.
Identifiers: ClinVar variation 1307403 (VCV001307403.2), dbSNP rs1173824558, ClinGen allele CA349418207.